The following is an entry in ClinVar:

NM_004171.4(SLC1A2):c.613G>A (p.Ala205Thr)

Gene: SLC1A2 (solute carrier family 1 member 2; minus strand). Cytogenetic location: 11p13.
Variant type: single nucleotide variant.
Coding change: c.613G>A on transcript NM_004171.4 (MANE Select); coding-DNA position 613, G replaced by A.
Protein change: p.Ala205Thr; replaces alanine 205 with threonine.
Molecular consequence: missense variant.
Genome position (GRCh38, 1-based): chr11:35,306,191, C>T on the plus strand (G>A on the coding strand, the complement: SLC1A2 is on the minus strand). VCF-style: chr11-35306191-C-T. GRCh37 (hg19) VCF-style: chr11-35327738-C-T.
Other names: c.586G>A, p.Ala196Thr (NM_001195728.3, NM_001252652.2); short protein forms A196T, A205T.
Identifiers: ClinVar variation 1994633 (VCV001994633.4), dbSNP rs1851499436, ClinGen allele CA380127927.
Genomic context (GRCh38, chr11:35,306,191, plus strand): 5'-CCTCCGGCACCTCAGTCACAGTCTCGTTCAACAGAGAGACAACAGCGCTGGTTGCGTTGG[C>T]CTCCTCGTCCGGCGGTGGTGCAACCAGGACTTTCTTCGTCACTGTTTGAATCTAACAGAG-3'
Protein context (NP_004162.2, residues 195-215): VLVAPPPDEE[Ala205Thr]NATSAVVSLL

ClinVar aggregate classification (germline): Uncertain significance (1 of 4 stars; one submission).

Allele frequency attached by ClinVar (database versions not stated): TOPMed below 0.00001.

Submission:

Labcorp Genetics (formerly Invitae), Labcorp
Classification: Uncertain significance. Last evaluated: 2022-05-15. Review status: criteria provided, single submitter. Criteria: Invitae Variant Classification Sherloc (09022015). Collection method: clinical testing. Allele origin: germline.
Comment: In summary, the available evidence is currently insufficient to determine the role of this variant in disease. Therefore, it has been classified as a Variant of Uncertain Significance. Algorithms developed to predict the effect of missense changes on protein structure and function (SIFT, PolyPhen-2, Align-GVGD) all suggest that this variant is likely to be tolerated. This variant has not been reported in the literature in individuals affected with SLC1A2-related conditions. This variant is not present in population databases (gnomAD no frequency). This sequence change replaces alanine, which is neutral and non-polar, with threonine, which is neutral and polar, at codon 205 of the SLC1A2 protein (p.Ala205Thr).